The following is an entry in ClinVar:

NM_032977.4(CASP10):c.1550T>C (p.Leu517Pro)

Gene: CASP10 (caspase 10; plus strand). Cytogenetic location: 2q33.1.
Variant type: single nucleotide variant.
Coding change: c.1550T>C on transcript NM_032977.4 (MANE Select); coding-DNA position 1550, T replaced by C.
Protein change: p.Leu517Pro; replaces leucine 517 with proline.
Molecular consequence: missense variant. On other transcripts: 3 prime UTR variant (1), intron variant (2).
Genome position (GRCh38, 1-based): chr2:201,217,722, T>C. VCF-style: chr2-201217722-T-C. GRCh37 (hg19) VCF-style: chr2-202082445-T-C.
Other names: c.1349T>C, p.Leu450Pro (NM_001206524.2); c.1421T>C, p.Leu474Pro (NM_001230.5); c.*636T>C (NM_032976.4); c.1415+8160T>C (NM_032974.5); c.1286+8160T>C (NM_001206542.2); short protein forms L450P, L517P, L474P.
Identifiers: ClinVar variation 4998344 (VCV004998344.1).

ClinVar aggregate classification (germline): Uncertain significance (1 of 4 stars; one submission).

Conditions:
CASP10-related disorder. Also called: CASP10-related condition.

gnomAD v4.1: 1 of 1,614,036 alleles (0.000062%); highest among the groups gnomAD compares: Non-Finnish European, 0.000085%; no homozygotes.

Submission:

PreventionGenetics, part of Exact Sciences
Classification: Uncertain significance for CASP10-related condition. Last evaluated: 2025-07-16. Review status: criteria provided, single submitter. Criteria: ACMG Guidelines, 2015. Collection method: clinical testing. Allele origin: germline.
Comment: The CASP10 c.1550T>C variant is predicted to result in the amino acid substitution p.Leu517Pro. To our knowledge, this variant has not been reported in the literature or in a large population database (gnomAD), indicating this variant is rare. At this time, the clinical significance of this variant is uncertain due to the absence of conclusive functional and genetic evidence.